The following is an entry in ClinVar:

ClinVar aggregate classification (germline): Conflicting classifications of pathogenicity. Review status: criteria provided, conflicting classifications (1 of 4 stars). 7 submissions from 7 submitters: Uncertain significance (5); Likely benign (1). 1 of the submissions does not count toward it. Last evaluated 2024-08-27.

Conditions:
NF1-related disorder. Also called: NF1-related condition. Identifiers: MedGen CN379171.
Neurofibromatosis, type 1 (NF1). Also called: VON RECKLINGHAUSEN DISEASE; NEUROFIBROMATOSIS, TYPE I, SOMATIC; Peripheral type neurofibromatosis; Neurofibromatosis, type I. Identifiers: Orphanet 636, MedGen C0027831, MONDO:0018975, OMIM 162200. Disease mechanism: loss of function.
Juvenile myelomonocytic leukemia (JMML). Also called: LEUKEMIA, JUVENILE MYELOMONOCYTIC, SOMATIC. Identifiers: Orphanet 86834, MedGen C0349639, MONDO:0011908, OMIM 607785, HP:0012209.
Café-au-lait macules with pulmonary stenosis (WTSN). Also called: PULMONIC STENOSIS WITH CAFE-AU-LAIT SPOTS. Identifiers: MedGen C0553586, MONDO:0008672, OMIM 193520.
Neurofibromatosis-Noonan syndrome (NFNS). Also called: NEUROFIBROMATOSIS WITH NOONAN PHENOTYPE. Identifiers: Orphanet 638, MedGen C2931482, MONDO:0011035, OMIM 601321. Disease mechanism: loss of function.
Neurofibromatosis, familial spinal (FSNF). Identifiers: Orphanet 636, MedGen C1834235, MONDO:0008078, OMIM 162210. Disease mechanism: loss of function.
Cardiovascular phenotype. Identifiers: MedGen CN230736.
Hereditary cancer-predisposing syndrome. Also called: Neoplastic Syndromes, Hereditary; Tumor predisposition; Hereditary neoplastic syndrome; Hereditary Cancer Syndrome. Identifiers: Orphanet 140162, MedGen C0027672, MeSH D009386, MONDO:0015356.

Allele frequency attached by ClinVar (database versions not stated): gnomAD 0.00001.
gnomAD v4.1: 1 of 1,613,902 alleles (0.000062%); highest among the groups gnomAD compares: Non-Finnish European, 0.000085%; no homozygotes.

Submissions (7):

Labcorp Genetics (formerly Invitae), Labcorp
Classification: Likely benign for Neurofibromatosis, type 1. Last evaluated: 2024-08-27. Review status: criteria provided, single submitter. Criteria: Invitae Variant Classification Sherloc (09022015). Collection method: clinical testing. Allele origin: germline.

Fulgent Genetics
Classification: Uncertain significance for Neurofibromatosis, type 1; Neurofibromatosis, familial spinal; Café-au-lait macules with pulmonary stenosis; Neurofibromatosis-Noonan syndrome; Juvenile myelomonocytic leukemia. Last evaluated: 2024-04-22. Review status: criteria provided, single submitter. Criteria: ACMG Guidelines, 2015. Collection method: clinical testing. Allele origin: germline.

Ambry Genetics
Classification: Uncertain significance for Cardiovascular phenotype; Hereditary cancer-predisposing syndrome. Last evaluated: 2024-03-09. Review status: criteria provided, single submitter. Criteria: Ambry Variant Classification Scheme 2023. Collection method: clinical testing. Allele origin: germline.
Comment: The p.H1366Q variant (also known as c.4098C>G), located in coding exon 30 of the NF1 gene, results from a C to G substitution at nucleotide position 4098. The histidine at codon 1366 is replaced by glutamine, an amino acid with highly similar properties. This amino acid position is highly conserved in available vertebrate species. In addition, this alteration is predicted to be deleterious by in silico analysis. Since supporting evidence is limited at this time, the clinical significance of this alteration remains unclear.

Baylor Genetics
Classification: Uncertain significance for Juvenile myelomonocytic leukemia. Last evaluated: 2024-03-03. Review status: criteria provided, single submitter. Criteria: ACMG Guidelines, 2015. Collection method: clinical testing. Allele origin: unknown.

Genome-Nilou Lab
Classification: Uncertain significance for Neurofibromatosis, type 1. Last evaluated: 2022-03-15. Review status: criteria provided, single submitter. Criteria: ACMG Guidelines, 2015. Collection method: clinical testing. Allele origin: germline. Affected: no.

GeneDx
Classification: Uncertain significance. Last evaluated: 2018-05-18. Review status: criteria provided, single submitter. Criteria: GeneDx Variant Classification (06012015). Collection method: clinical testing. Allele origin: germline. Affected: yes.
Comment: This variant is denoted NF1 c.4098C>G at the cDNA level, p.His1366Gln (H1366Q) at the protein level, and results in the change of a Histidine to a Glutamine (CAC>CAG). This variant has not, to our knowledge, been published in the literature as a pathogenic or benign germline variant. NF1 His1366Gln was not observed in large population cohorts (Lek 2016). This variant is located in the GTPase activating protein domain (Thomas 2012, Luo 2014). In silico analysis, which includes protein predictors and evolutionary conservation, supports a deleterious effect. Based on currently available evidence, it is unclear whether NF1 His1366Gln is a pathogenic or benign variant. We consider it to be a variant of uncertain significance.

PreventionGenetics, part of Exact Sciences
Classification: Uncertain significance for NF1-related condition. Last evaluated: 2023-11-21. Review status: no assertion criteria provided. Collection method: clinical testing. Allele origin: germline. Not counted in ClinVar's aggregate classification.
Comment: The NF1 c.4098C>G variant is predicted to result in the amino acid substitution p.His1366Gln. To our knowledge, this variant has not been reported in the literature or in a large population database, indicating this variant is rare. This variant is interpreted as uncertain in ClinVar. At this time, the clinical significance of this variant is uncertain due to the absence of conclusive functional and genetic evidence.

NM_001042492.3(NF1):c.4098C>G (p.His1366Gln)

Gene: NF1 (neurofibromin 1; plus strand). Cytogenetic location: 17q11.2.
Variant type: single nucleotide variant.
Coding change: c.4098C>G on transcript NM_001042492.3 (MANE Select); coding-DNA position 4098, C replaced by G.
Protein change: p.His1366Gln; replaces histidine 1366 with glutamine.
Molecular consequence: missense variant.
Genome position (GRCh38, 1-based): chr17:31,249,107, C>G. VCF-style: chr17-31249107-C-G. GRCh37 (hg19) VCF-style: chr17-29576125-C-G.
Other names: c.4098C>G, p.His1366Gln (NM_000267.4); short protein forms H1366Q.
Identifiers: ClinVar variation 527583 (VCV000527583.17), dbSNP rs1555617377, ClinGen allele CA398995080.